The following is an entry in ClinVar:

NM_005068.3(SIM1):c.2196G>A (p.Leu732=)

Gene: SIM1 (SIM bHLH transcription factor 1; minus strand). Cytogenetic location: 6q16.3.
Variant type: single nucleotide variant.
Coding change: c.2196G>A on transcript NM_005068.3 (MANE Select); coding-DNA position 2196, G replaced by A.
Protein change: p.Leu732=; no amino-acid change (leucine 732 retained).
Molecular consequence: synonymous variant.
Genome position (GRCh38, 1-based): chr6:100,390,466, C>T on the plus strand (G>A on the coding strand, the complement: SIM1 is on the minus strand). VCF-style: chr6-100390466-C-T. GRCh37 (hg19) VCF-style: chr6-100838342-C-T.
Other names: c.2196G>A, p.Leu732= (NM_001374769.1).
Identifiers: ClinVar variation 3345784 (VCV003345784.1).
Genomic context (GRCh38, chr6:100,390,466, plus strand): 5'-TGCTGGGTCTGGTTGCATCCTCAGATGGGAAGTTACATCAAAGTGTGAGCCATTACAGCC[C>T]AAGGAATAGTTTCTAATGGTTTCGCTGTCATATAAGTGCTCCAGGGCATATCCAGTTAAT-3'
Protein context (NP_005059.2, residues 722-742): YDSETIRNYS[Leu732=]GCNGSHFDVT

ClinVar aggregate classification (germline): Likely benign (0 of 4 stars; one submission).

Conditions:
SIM1-related disorder. Also called: SIM1-related condition; SIM1-related disorders.

gnomAD v4.1: 2 of 1,614,088 alleles (0.00012%); highest among the groups gnomAD compares: East Asian, 0.0045%; no homozygotes.

Submission:

PreventionGenetics, part of Exact Sciences
Classification: Likely benign for SIM1-related condition. Last evaluated: 2024-08-07. Review status: no assertion criteria provided. Collection method: clinical testing. Allele origin: germline.
Comment: This variant is classified as likely benign based on ACMG/AMP sequence variant interpretation guidelines (Richards et al. 2015 PMID: 25741868, with internal and published modifications).